The following is an entry in ClinVar:

NM_002430.3(MN1):c.3300G>T (p.Pro1100=)

Gene: MN1 (MN1 proto-oncogene, transcriptional regulator; minus strand). Cytogenetic location: 22q12.1.
Variant type: single nucleotide variant.
Coding change: c.3300G>T on transcript NM_002430.3 (MANE Select); coding-DNA position 3300, G replaced by T.
Protein change: p.Pro1100=; no amino-acid change (proline 1100 retained).
Molecular consequence: synonymous variant.
Genome position (GRCh38, 1-based): chr22:27,797,244, C>A on the plus strand (G>T on the coding strand, the complement: MN1 is on the minus strand). VCF-style: chr22-27797244-C-A. GRCh37 (hg19) VCF-style: chr22-28193232-C-A.
Identifiers: ClinVar variation 2653016 (VCV002653016.24), dbSNP rs1229819213, ClinGen allele CA514166622.
Genomic context (GRCh38, chr22:27,797,244, plus strand): 5'-GCCGCCGTAGCTGTCAGGGGTCGAGGTAGAGTTAGACATGATGCCCAGGCCGAGGGCGGG[C>A]GGGGGCGCCTTCGGTCCGTGTTCCCCGGCGCCTACCCCACGGGGAGGGAGTTTGGGCGAG-3'
Protein context (NP_002421.3, residues 1090-1110): GAGEHGPKAP[Pro1100=]PALGLGIMSN

ClinVar aggregate classification (germline): Likely benign (1 of 4 stars; one submission).

Submission:

CeGaT Center for Human Genetics Tuebingen
Classification: Likely benign. Last evaluated: 2023-02-01. Review status: criteria provided, single submitter. Criteria: CeGaT Center For Human Genetics Tuebingen Variant Classification Criteria Version 2. Collection method: clinical testing. Allele origin: germline. Affected: yes. Observed: 1 variant allele.
Comment: MN1: PM2:Supporting, BP4, BP7